The following is an entry in ClinVar:

NM_020975.6(RET):c.2330A>G (p.Asn777Ser)

Gene: RET (ret proto-oncogene; plus strand). Cytogenetic location: 10q11.21.
Variant type: single nucleotide variant.
Coding change: c.2330A>G on transcript NM_020975.6 (MANE Select); coding-DNA position 2330, A replaced by G.
Protein change: p.Asn777Ser; replaces asparagine 777 with serine.
Molecular consequence: missense variant.
Genome position (GRCh38, 1-based): chr10:43,118,418, A>G. VCF-style: chr10-43118418-A-G. GRCh37 (hg19) VCF-style: chr10-43613866-A-G.
Other names: c.2330A>G, p.Asn777Ser (NM_000323.2, NM_001406743.1, NM_001406744.1 and 4 more transcripts); c.1568A>G, p.Asn523Ser (NM_001355216.2); c.2201A>G, p.Asn734Ser (NM_001406761.1, NM_001406762.1, NM_001406764.1); c.2195A>G, p.Asn732Ser (NM_001406763.1, NM_001406765.1); c.2042A>G, p.Asn681Ser (NM_001406766.1, NM_001406767.1, NM_001406770.1); c.2066A>G, p.Asn689Ser (NM_001406768.1); c.1934A>G, p.Asn645Ser (NM_001406769.1, NM_001406772.1); c.1433A>G, p.Asn478Ser (NM_001406780.1, NM_001406781.1, NM_001406782.1 and 1 more transcripts); and 10 more; short protein forms N523S, N435S, N438S, N447S, N602S, N689S, N734S, N382S.
Identifiers: ClinVar variation 24937 (VCV000024937.19), dbSNP rs377767415, ClinGen allele CA008672.

ClinVar aggregate classification (germline): Uncertain significance. Review status: criteria provided, multiple submitters, no conflicts (2 of 4 stars). 8 submissions from 8 submitters: Uncertain significance (7). 1 of the submissions does not count toward it. Last evaluated 2026-07-29.

Conditions:
Appendicitis. Identifiers: MedGen C0003615, MeSH D001064, MONDO:0005649, HP:6000143.
Hereditary cancer-predisposing syndrome. Also called: Neoplastic Syndromes, Hereditary; Tumor predisposition; Hereditary neoplastic syndrome; Hereditary Cancer Syndrome. Identifiers: Orphanet 140162, MedGen C0027672, MeSH D009386, MONDO:0015356.
Multiple endocrine neoplasia, type 2 (MEN2). Identifiers: Orphanet 653, MedGen C4048306, MONDO:0019003. Disease mechanism: gain of function.
Multiple endocrine neoplasia type 2A. Also called: MULTIPLE ENDOCRINE NEOPLASIA, TYPE IIA; PTC SYNDROME; SIPPLE SYNDROME; MEN 2A; MEN-2A syndrome; Pheochromocytoma and amyloid producing medullary thyroid carcinoma. Identifiers: Orphanet 247698, Orphanet 653, MedGen C0025268, MeSH D018813, MONDO:0008234, OMIM 171400.
Familial medullary thyroid carcinoma (MTC). Also called: Thyroid cancer, familial medullary; MTC, familial; Familial Medullary Thyroid Carcinoma (FMTC). Identifiers: Orphanet 653, Orphanet 99361, MedGen C1833921, MONDO:0007958, OMIM 155240.

Allele frequency attached by ClinVar (database versions not stated): ExAC 0.00001; gnomAD exomes below 0.00001.
gnomAD v4.1: 4 of 1,614,170 alleles (0.00025%); highest among the groups gnomAD compares: Non-Finnish European, 0.00034%; no homozygotes.

Submissions (8):

Ambry Genetics
Classification: Uncertain significance for Hereditary cancer-predisposing syndrome. Last evaluated: 2026-07-29. Review status: criteria provided, single submitter. Criteria: Ambry Variant Classification Scheme 2023. Collection method: clinical testing. Allele origin: germline.
Comment: The p.N777S variant (also known as c.2330A>G), located in coding exon 13 of the RET gene, results from an A to G substitution at nucleotide position 2330. The asparagine at codon 777 is replaced by serine, an amino acid with highly similar properties. This variant was reported in individual with medullary thyroid cancer (D'Aloiso L et al. J Clin Endocrinol Metab, 2006 Mar;91:754-9). In one study assessing RET function, the variant showed abnormal results but is considered to be low penetrant and less aggressive than other pathogenic controls (D'Aloiso L et al. J Clin Endocrinol Metab, 2006 Mar;91:754-9). Based on the American Thyroid Association guidelines, this variant has been categorized as low to moderate risk for medullary thyroid cancer (Heineman TE et al. Otolaryngol Head Neck Surg, 2015 Apr;152:650-4; Barletta Carrillo CF et al. Rev Fac Cien Med Univ Nac Cordoba, 2018 Dec;75:303-309; Loveday C et al. J Clin Endocrinol Metab, 2018 Nov;103:4275-4282; Czarniecka A et al. Endokrynol Pol, 2019;70:367-379; Khatami F et al. Biomark Insights, 2018 Jul;13:1177271918785129). This amino acid position is well conserved in available vertebrate species. In addition, this alteration is predicted to be tolerated by in silico analysis. Based on the available evidence, the clinical significance of this variant remains unclear.

Labcorp Genetics (formerly Invitae), Labcorp
Classification: Uncertain significance for Multiple endocrine neoplasia, type 2. Last evaluated: 2025-12-21. Review status: criteria provided, single submitter. Criteria: Invitae Variant Classification Sherloc (09022015). Collection method: clinical testing. Allele origin: germline.
Comment: This sequence change replaces asparagine, which is neutral and polar, with serine, which is neutral and polar, at codon 777 of the RET protein (p.Asn777Ser). This variant is present in population databases (rs377767415, gnomAD 0.0009%). This missense change has been observed in individual(s) with medullary thyroid cancer (PMID: 16384843). ClinVar contains an entry for this variant (Variation ID: 24937). An algorithm developed to predict the effect of missense changes on protein structure and function (PolyPhen-2) suggests that this variant is likely to be disruptive. Experimental studies have shown that this missense change affects RET function (PMID: 16384843). In summary, the available evidence is currently insufficient to determine the role of this variant in disease. Therefore, it has been classified as a Variant of Uncertain Significance.

Color Diagnostics, LLC DBA Color Health
Classification: Uncertain significance for Multiple endocrine neoplasia, type 2. Last evaluated: 2025-08-29. Review status: criteria provided, single submitter. Criteria: ACMG Guidelines, 2015. Collection method: clinical testing. Allele origin: germline.
Comment: This missense variant replaces asparagine with serine at codon 777 of the RET protein. Computational prediction suggests that this variant may not impact protein structure and function. A functional study has shown the mutant protein to exhibit low-grade transforming potential and limited activation of RET tyrosine kinase (PMID: 16384843). This variant has been reported in an individual affected with late onset, nonaggressive medullary thyroid carcinoma (PMID: 16384843). This variant has been identified in 1/251332 chromosomes in the general population by the Genome Aggregation Database (gnomAD). The available evidence is insufficient to determine the role of this variant in disease conclusively. Therefore, this variant is classified as a Variant of Uncertain Significance.

GeneDx
Classification: Uncertain significance. Last evaluated: 2025-01-07. Review status: criteria provided, single submitter. Criteria: GeneDx Variant Classification Process June 2021. Collection method: clinical testing. Allele origin: germline. Affected: yes.
Comment: Not observed at significant frequency in large population cohorts (gnomAD); In silico analysis indicates that this missense variant does not alter protein structure/function; Published functional studies are inconclusive: demonstrates oncogenic abilities when compared to wild type but not to the same extent as other known RET pathogenic variant(s) (PMID: 16384843); This variant is associated with the following publications: (PMID: 16849421, 24699901, 23059849, 14633923, 29590403, 34981673, 27014708, 16384843, 21479187, 31937788, 17270543)

Molecular Genetics, Royal Melbourne Hospital
Classification: Uncertain significance for Familial medullary thyroid carcinoma. Last evaluated: 2023-03-30. Review status: criteria provided, single submitter. Criteria: ACMG Guidelines, 2015. Collection method: clinical testing. Allele origin: germline. Affected: no.
Comment: This sequence change is predicted to replace asparagine with serine at codon 777 of the RET protein (p.(Asn777Ser)). The asparagine residue is conserved in mammals, birds, and reptiles (100 vertebrates, UCSC), and is located in the protein tyrosine domain (UniProt). There is a small physicochemical difference between asparagine and serine. The variant is present in a single individual in a large population cohort (PM2; 1/251,332 alleles in gnomAD v2.1), and has been reported as a variant of uncertain significance in ClinVar (ID: 24937). The variant has been identified in an individual with late onset medullary thyroid cancer with limited aggressiveness (PMID: 16384843) and as an incidental finding in a single case in a paediatric cohort with various indications for testing (PMID: 31937788). The missense change has low-grade transforming potential and limited activation of RET tyrosine kinase in functional assays (PS3_Supporting; PMID: 16384843). Multiple lines of computational evidence predict a benign effect for the missense substitution, but may affect other protein features (4/6 algorithms). Based on the classification scheme RMH ACMG Guidelines v1.2.1, this variant is classified as a VARIANT OF UNCERTAIN SIGNIFICANCE. Following criteria are met: PM2, PS3_Supporting.

Blueprint Genetics
Classification: Uncertain significance. Last evaluated: 2023-01-10. Review status: criteria provided, single submitter. Criteria: ACMG Guidelines, 2015. Collection method: clinical testing. Allele origin: germline.

Mendelics
Classification: Uncertain significance for Multiple endocrine neoplasia, type 2a. Last evaluated: 2018-07-02. Review status: criteria provided, single submitter. Criteria: Mendelics Assertion Criteria 2017. Collection method: clinical testing. Allele origin: unknown.

Klinik und Poliklinik für Kinderchirurgie, Technische Universität Dresden, Universitätsklinikum Carl Gustav Carus
Classification: Uncertain significance for Appendicitis. Last evaluated: 2020-12-17. Review status: no assertion criteria provided. Collection method: case-control. Allele origin: maternal. Inheritance: Autosomal dominant inheritance. Affected: yes. Observed: 1 variant allele, 1 heterozygote. Not counted in ClinVar's aggregate classification.

Literature cited by the submitters: PubMed 16384843 (cited by 4 submitters); PubMed 25733075 (cited by Ambry Genetics); PubMed 29590403 (cited by Ambry Genetics); PubMed 30013307 (cited by Ambry Genetics); PubMed 30734711 (cited by Ambry Genetics); PubMed 31489961 (cited by Ambry Genetics); PubMed 31937788 (cited by Molecular Genetics, Royal Melbourne Hospital).